The following is an entry in ClinVar:

ClinVar aggregate classification (germline): Likely benign. Review status: criteria provided, multiple submitters, no conflicts (2 of 4 stars). 4 submissions from 4 submitters: Likely benign (4). Last evaluated 2025-11-05.

Conditions:
Mismatch repair cancer syndrome 1 (MMRCS1). Also called: BRAIN TUMOR-POLYPOSIS SYNDROME 1; BTP1 SYNDROME; CHILDHOOD CANCER SYNDROME; MISMATCH REPAIR DEFICIENCY; MMR DEFICIENCY. Identifiers: Orphanet 252202, MedGen C5399763, MONDO:0010159, OMIM 276300. Disease mechanism: loss of function.
Hereditary nonpolyposis colorectal neoplasms. Identifiers: MedGen C0009405, MeSH D003123.

Allele frequency attached by ClinVar (database versions not stated): gnomAD exomes 0.00001; TOPMed 0.00006; gnomAD 0.00010.

Submissions (4):

Labcorp Genetics (formerly Invitae), Labcorp
Classification: Likely benign for Hereditary nonpolyposis colorectal neoplasms. Last evaluated: 2025-11-05. Review status: criteria provided, single submitter. Criteria: Invitae Variant Classification Sherloc (09022015). Collection method: clinical testing. Allele origin: germline.

ARUP Laboratories, Molecular Genetics and Genomics, ARUP Laboratories
Classification: Likely benign. Last evaluated: 2024-12-11. Review status: criteria provided, single submitter. Criteria: ARUP Molecular Germline Variant Investigation Process 2024. Collection method: clinical testing. Allele origin: germline.

Department of Pathology and Laboratory Medicine, Sinai Health System
Classification: Likely benign for mismatch repair cancer syndrome 1. Last evaluated: 2022-07-29. Review status: criteria provided, single submitter. Criteria: ACMG Guidelines, 2015. Collection method: clinical testing. Allele origin: germline. Affected: no.

GeneDx
Classification: Likely benign. Last evaluated: 2017-03-23. Review status: criteria provided, single submitter. Criteria: GeneDx Variant Classification (06012015). Collection method: clinical testing. Allele origin: germline. Affected: yes.
Comment: This variant is considered likely benign or benign based on one or more of the following criteria: it is a conservative change, it occurs at a poorly conserved position in the protein, it is predicted to be benign by multiple in silico algorithms, and/or has population frequency not consistent with disease.

NM_000535.7(PMS2):c.2445+14G>T

Gene: PMS2 (PMS1 homolog 2, mismatch repair system component; minus strand). Cytogenetic location: 7p22.1.
Variant type: single nucleotide variant.
Coding change: c.2445+14G>T on transcript NM_000535.7 (MANE Select); 14 bases into the intron after coding-DNA position 2445, G replaced by T.
Molecular consequence: intron variant.
Genome position (GRCh38, 1-based): chr7:5,977,574, C>A on the plus strand (G>T on the coding strand, the complement: PMS2 is on the minus strand). VCF-style: chr7-5977574-C-A. GRCh37 (hg19) VCF-style: chr7-6017205-C-A.
Other names: c.2127+14G>T (NM_001322008.2, NM_001322007.2); c.1884+14G>T (NM_001322010.2); c.2040+14G>T (NM_001322004.2, NM_001322003.2, NM_001322005.2); c.1872+14G>T (NM_001322013.2); c.1512+14G>T (NM_001322012.2, NM_001322011.2); c.2136+14G>T (NM_001322015.2); c.2289+14G>T (NM_001322006.2); c.2478+14G>T (NM_001322014.2); and 2 more.
Identifiers: ClinVar variation 378390 (VCV000378390.10), dbSNP rs913201632, ClinGen allele CA16605340.